The following is an entry in ClinVar:

ClinVar aggregate classification (germline): Likely benign. Review status: criteria provided, multiple submitters, no conflicts (2 of 4 stars). 3 submissions from 3 submitters: Likely benign (2). 1 of the submissions does not count toward it. Last evaluated 2025-12-01.

Conditions:
Duchenne muscular dystrophy (DMD). Also called: Duchenne Muscular Dystrophy (DMD); MUSCULAR DYSTROPHY, PSEUDOHYPERTROPHIC PROGRESSIVE, DUCHENNE TYPE. Identifiers: Orphanet 98896, MedGen C0013264, MONDO:0010679, OMIM 310200.
Dystrophin deficiency.
Becker muscular dystrophy (BMD). Also called: Becker Muscular Dystrophy (BMD); MUSCULAR DYSTROPHY, PSEUDOHYPERTROPHIC PROGRESSIVE, BECKER TYPE. Identifiers: Orphanet 98895, MedGen C0917713, MONDO:0010311, OMIM 300376.
Cardiomyopathy (CMYO). Also called: Cardiomyopathies. Identifiers: Orphanet 167848, MedGen C0878544, MONDO:0004994, HP:0001638. Inheritance: Various modes of inheritance.

Allele frequency attached by ClinVar (database versions not stated): gnomAD 0.00001; TOPMed 0.00001; gnomAD exomes 0.00002 and 0.00003; ExAC 0.00003.
gnomAD v4.1: 8 of 1,205,604 alleles (0.00066%); highest among the groups gnomAD compares: Admixed American, 0.015%; no homozygotes.

Submissions (3):

CeGaT Center for Human Genetics Tuebingen
Classification: Likely benign. Last evaluated: 2025-12-01. Review status: criteria provided, single submitter. Criteria: CeGaT Center For Human Genetics Tuebingen Variant Classification Criteria Version 2. Collection method: clinical testing. Allele origin: germline. Affected: yes. Observed: 1 variant allele.
Comment: DMD: BS2

Labcorp Genetics (formerly Invitae), Labcorp
Classification: Likely benign for Duchenne muscular dystrophy. Last evaluated: 2025-10-06. Review status: criteria provided, single submitter. Criteria: Invitae Variant Classification Sherloc (09022015). Collection method: clinical testing. Allele origin: germline.

Natera, Inc.
Classification: Uncertain significance for Becker muscular dystrophy; Cardiomyopathy; Duchenne muscular dystrophy; Dystrophin deficiency. Last evaluated: 2018-05-29. Review status: no assertion criteria provided. Collection method: clinical testing. Allele origin: germline. Not counted in ClinVar's aggregate classification.

NM_004006.3(DMD):c.2384G>T (p.Gly795Val)

Gene: DMD (dystrophin; minus strand). Cytogenetic location: Xp21.1.
Variant type: single nucleotide variant.
Coding change: c.2384G>T on transcript NM_004006.3 (MANE Select); coding-DNA position 2384, G replaced by T.
Protein change: p.Gly795Val; replaces glycine 795 with valine.
Molecular consequence: missense variant.
Genome position (GRCh38, 1-based): chrX:32,491,515, C>A on the plus strand (G>T on the coding strand, the complement: DMD is on the minus strand). VCF-style: chrX-32491515-C-A. GRCh37 (hg19) VCF-style: chrX-32509632-C-A.
Other names: c.2360G>T, p.Gly787Val (NM_000109.4); c.2372G>T, p.Gly791Val (NM_004009.3); c.2015G>T, p.Gly672Val (NM_004010.3); short protein forms G672V, G787V, G791V, G795V.
Identifiers: ClinVar variation 1002534 (VCV001002534.13), dbSNP rs760247534, ClinGen allele CA10379524.